The following is an entry in ClinVar:

ClinVar aggregate classification (germline): Pathogenic (1 of 4 stars; one submission).

Conditions:
Propionic acidemia (PROP). Also called: GLYCINEMIA, KETOTIC; HYPERGLYCINEMIA WITH KETOACIDOSIS AND LEUKOPENIA; KETOTIC HYPERGLYCINEMIA. Identifiers: Orphanet 35, MedGen C0268579, MONDO:0011628, OMIM 606054, HP:0003571.

Submission:

Labcorp Genetics (formerly Invitae), Labcorp
Classification: Pathogenic for Propionic acidemia. Last evaluated: 2022-03-01. Review status: criteria provided, single submitter. Criteria: Invitae Variant Classification Sherloc (09022015). Collection method: clinical testing. Allele origin: germline.
Comment: For these reasons, this variant has been classified as Pathogenic. This variant disrupts the C-terminus of the PCCA protein. Other variant(s) that disrupt this region (p.Thr704Leufs*4) have been observed in individuals with PCCA-related conditions (PMID: 11592820). This suggests that this may be a clinically significant region of the protein. This premature translational stop signal has been observed in individual(s) with propionic acidemia (Invitae). This variant is not present in population databases (gnomAD no frequency). This sequence change creates a premature translational stop signal (p.Thr700Glyfs*6) in the PCCA gene. While this is not anticipated to result in nonsense mediated decay, it is expected to disrupt the last 29 amino acid(s) of the PCCA protein.

Literature cited by the submitters: PubMed 11592820.

NM_000282.4(PCCA):c.2098_2104del (p.Thr700fs)

Gene: PCCA (propionyl-CoA carboxylase subunit alpha; plus strand). Cytogenetic location: 13q32.3.
Variant type: Deletion.
Coding change: c.2098_2104del on transcript NM_000282.4 (MANE Select); coding-DNA positions 2098 to 2104, 7 bases deleted (ACAGCTG; older notation c.2098_2104delACAGCTG).
Protein change: p.Thr700fs; shifts the reading frame from threonine 700.
Molecular consequence: frameshift variant. On other transcripts: non-coding transcript variant (5).
Genome position (GRCh38, 1-based): chr13:100,527,732-100,527,738, ACAGCTG deleted; deleting any 7 consecutive bases within chr13:100,527,730-100,527,738 gives the same sequence; the c. name uses the placement nearest the transcript's 3' end. VCF-style (leftmost placement, unchanged base first): chr13-100527729-ATGACAGC-A. GRCh37 (hg19) VCF-style: chr13-101179983-ATGACAGC-A.
Other names: c.2020_2026del, p.Thr674fs (NM_001127692.3); c.1957_1963del, p.Thr653fs (NM_001178004.2); c.2044_2050del, p.Thr682fs (NM_001352605.2); c.1954_1960del, p.Thr652fs (NM_001352606.2); c.1879_1885del, p.Thr627fs (NM_001352607.2); c.1876_1882del, p.Thr626fs (NM_001352608.2); c.1153_1159del, p.Thr385fs (NM_001352610.2); c.1099_1105del, p.Thr367fs (NM_001352611.2); and 1 more; short protein forms T337fs, T367fs, T385fs, T626fs, T653fs, T700fs, T627fs, T652fs.
Identifiers: ClinVar variation 2100049 (VCV002100049.4), dbSNP rs2549086417, ClinGen allele CA2580086994.